The following is an entry in ClinVar:

NM_182916.3(TRNT1):c.428_431del (p.Asp143fs)

Gene: TRNT1 (tRNA nucleotidyl transferase 1; plus strand). Cytogenetic location: 3p26.2.
Variant type: Microsatellite.
Coding change: c.428_431del on transcript NM_182916.3 (MANE Select); coding-DNA positions 428 to 431, 4 bases deleted (ACTG; older notation c.428_431delACTG).
Protein change: p.Asp143fs; shifts the reading frame from aspartic acid 143.
Molecular consequence: frameshift variant. On other transcripts: non-coding transcript variant (6).
Genome position (GRCh38, 1-based): chr3:3,140,595-3,140,598, ACTG deleted; deleting any 4 consecutive bases within chr3:3,140,591-3,140,598 gives the same sequence; the c. name uses the placement nearest the transcript's 3' end. VCF-style (leftmost placement, unchanged base first): chr3-3140590-AACTG-A. GRCh37 (hg19) VCF-style: chr3-3182274-AACTG-A.
Other names: c.428_431del, p.Asp143fs (NM_001302946.2, NM_001367321.1, NM_001367322.1 and 1 more transcripts); short protein forms D143fs.
Identifiers: ClinVar variation 1443740 (VCV001443740.6), dbSNP rs1401711549, ClinGen allele CA906190465.

ClinVar aggregate classification (germline): Pathogenic (1 of 4 stars; one submission).

Conditions:
Congenital sideroblastic anemia-B-cell immunodeficiency-periodic fever-developmental delay syndrome. Also called: Sideroblastic anemia with B-cell immunodeficiency, periodic fevers, and developmental delay. Identifiers: Orphanet 369861, MedGen C4015172, MONDO:0014487, OMIM 616084.

Submission:

Labcorp Genetics (formerly Invitae), Labcorp
Classification: Pathogenic for Congenital sideroblastic anemia-B-cell immunodeficiency-periodic fever-developmental delay syndrome. Last evaluated: 2024-11-19. Review status: criteria provided, single submitter. Criteria: Invitae Variant Classification Sherloc (09022015). Collection method: clinical testing. Allele origin: germline.
Comment: This sequence change creates a premature translational stop signal (p.Asp143Glyfs*12) in the TRNT1 gene. It is expected to result in an absent or disrupted protein product. Loss-of-function variants in TRNT1 are known to be pathogenic (PMID: 25193871). This variant is not present in population databases (gnomAD no frequency). This variant has not been reported in the literature in individuals affected with TRNT1-related conditions. For these reasons, this variant has been classified as Pathogenic.

Literature cited by the submitters: PubMed 25193871.